The following is an entry in ClinVar:

ClinVar aggregate classification (germline): Uncertain significance (1 of 4 stars; one submission).

Submission:

Labcorp Genetics (formerly Invitae), Labcorp
Classification: Uncertain significance. Last evaluated: 2023-04-09. Review status: criteria provided, single submitter. Criteria: Invitae Variant Classification Sherloc (09022015). Collection method: clinical testing. Allele origin: germline.
Comment: This sequence change replaces aspartic acid, which is acidic and polar, with valine, which is neutral and non-polar, at codon 562 of the NFKB1 protein (p.Asp562Val). This variant is not present in population databases (gnomAD no frequency). This variant has not been reported in the literature in individuals affected with NFKB1-related conditions. Advanced modeling of protein sequence and biophysical properties (such as structural, functional, and spatial information, amino acid conservation, physicochemical variation, residue mobility, and thermodynamic stability) performed at Invitae indicates that this missense variant is not expected to disrupt NFKB1 protein function. In summary, the available evidence is currently insufficient to determine the role of this variant in disease. Therefore, it has been classified as a Variant of Uncertain Significance.

NM_003998.4(NFKB1):c.1685A>T (p.Asp562Val)

Genes: NFKB1 (nuclear factor kappa B subunit 1; plus strand), LOC126807127 (CDK7 strongly-dependent group 2 enhancer GRCh37_chr4:103521788-103522987; plus strand). Cytogenetic location: 4q24.
Variant type: single nucleotide variant.
Coding change: c.1685A>T on transcript NM_003998.4 (MANE Select); coding-DNA position 1685, A replaced by T.
Protein change: p.Asp562Val; replaces aspartic acid 562 with valine.
Molecular consequence: missense variant.
Genome position (GRCh38, 1-based): chr4:102,600,942, A>T. VCF-style: chr4-102600942-A-T. GRCh37 (hg19) VCF-style: chr4-103522099-A-T.
Other names: c.1682A>T, p.Asp561Val (NM_001165412.2, NM_001319226.2, NM_001382627.1); c.1685A>T, p.Asp562Val (NM_001382625.1, NM_001382626.1); c.1643A>T, p.Asp548Val (NM_001382628.1); short protein forms D548V, D562V, D561V.
Identifiers: ClinVar variation 2854445 (VCV002854445.3), dbSNP rs2476517803, ClinGen allele CA357751665.